The following is an entry in ClinVar:

ClinVar aggregate classification (germline): Uncertain significance (1 of 4 stars; one submission).

Conditions:
Gorlin syndrome. Also called: Nevoid Basal Cell Carcinoma Syndrome; Basal cell nevus syndrome. Identifiers: Orphanet 377, MedGen C0004779, MONDO:0007187.

Submission:

Labcorp Genetics (formerly Invitae), Labcorp
Classification: Uncertain significance for Gorlin syndrome. Last evaluated: 2023-12-11. Review status: criteria provided, single submitter. Criteria: Invitae Variant Classification Sherloc (09022015). Collection method: clinical testing. Allele origin: germline.
Comment: This sequence change replaces threonine, which is neutral and polar, with asparagine, which is neutral and polar, at codon 890 of the PTCH1 protein (p.Thr890Asn). This variant is not present in population databases (gnomAD no frequency). This variant has not been reported in the literature in individuals affected with PTCH1-related conditions. Advanced modeling of protein sequence and biophysical properties (such as structural, functional, and spatial information, amino acid conservation, physicochemical variation, residue mobility, and thermodynamic stability) performed at Invitae indicates that this missense variant is not expected to disrupt PTCH1 protein function with a negative predictive value of 95%. In summary, the available evidence is currently insufficient to determine the role of this variant in disease. Therefore, it has been classified as a Variant of Uncertain Significance.

NM_000264.5(PTCH1):c.2669C>A (p.Thr890Asn)

Gene: PTCH1 (patched 1; minus strand). Cytogenetic location: 9q22.32.
Variant type: single nucleotide variant.
Coding change: c.2669C>A on transcript NM_000264.5 (MANE Select); coding-DNA position 2669, C replaced by A.
Protein change: p.Thr890Asn; replaces threonine 890 with asparagine.
Molecular consequence: missense variant. On other transcripts: non-coding transcript variant (1).
Genome position (GRCh38, 1-based): chr9:95,461,890, G>T on the plus strand (C>A on the coding strand, the complement: PTCH1 is on the minus strand). VCF-style: chr9-95461890-G-T. GRCh37 (hg19) VCF-style: chr9-98224172-G-T.
Other names: c.2471C>A, p.Thr824Asn (NM_001083602.3); c.2666C>A, p.Thr889Asn (NM_001083603.3); c.2216C>A, p.Thr739Asn (NM_001083604.3, NM_001083605.3, NM_001083606.3 and 1 more transcripts); c.2513C>A, p.Thr838Asn (NM_001354918.2); short protein forms T824N, T838N, T890N, T739N, T889N.
Identifiers: ClinVar variation 2700936 (VCV002700936.3), dbSNP rs2136687456, ClinGen allele CA374113348.